The following is an entry in ClinVar:

NM_001082971.2(DDC):c.169A>G (p.Ile57Val)

Gene: DDC (dopa decarboxylase; minus strand). Cytogenetic location: 7p12.1.
Variant type: single nucleotide variant.
Coding change: c.169A>G on transcript NM_001082971.2 (MANE Select); coding-DNA position 169, A replaced by G.
Protein change: p.Ile57Val; replaces isoleucine 57 with valine.
Molecular consequence: missense variant.
Genome position (GRCh38, 1-based): chr7:50,543,917, T>C on the plus strand (A>G on the coding strand, the complement: DDC is on the minus strand). VCF-style: chr7-50543917-T-C. GRCh37 (hg19) VCF-style: chr7-50611615-T-C.
Other names: c.169A>G, p.Ile57Val (NM_000790.4, NM_001242886.2, NM_001242887.2 and 3 more transcripts); short protein forms I57V.
Identifiers: ClinVar variation 1395930 (VCV001395930.8), dbSNP rs2153550391, ClinGen allele CA367531503.

ClinVar aggregate classification (germline): Uncertain significance (1 of 4 stars; one submission).

Conditions:
Deficiency of aromatic-L-amino-acid decarboxylase. Also called: Aromatic L-Amino Acid Decarboxylase Deficiency; AADC DEFICIENCY; DDC DEFICIENCY; DOPA DECARBOXYLASE DEFICIENCY; Aromatic amino acid decarboxylase deficiency. Identifiers: Orphanet 35708, MedGen C1291564, MONDO:0012084, OMIM 608643.

gnomAD v4.1: 1 of 1,614,172 alleles (0.000062%); highest among the groups gnomAD compares: Non-Finnish European, 0.000085%; no homozygotes.

Submission:

Labcorp Genetics (formerly Invitae), Labcorp
Classification: Uncertain significance for Deficiency of aromatic-L-amino-acid decarboxylase. Last evaluated: 2021-12-31. Review status: criteria provided, single submitter. Criteria: Invitae Variant Classification Sherloc (09022015). Collection method: clinical testing. Allele origin: germline.
Comment: This sequence change replaces isoleucine, which is neutral and non-polar, with valine, which is neutral and non-polar, at codon 57 of the DDC protein (p.Ile57Val). In summary, the available evidence is currently insufficient to determine the role of this variant in disease. Therefore, it has been classified as a Variant of Uncertain Significance. Algorithms developed to predict the effect of missense changes on protein structure and function output the following: SIFT: "Tolerated"; PolyPhen-2: "Benign"; Align-GVGD: "Class C0". The valine amino acid residue is found in multiple mammalian species, which suggests that this missense change does not adversely affect protein function. This variant has not been reported in the literature in individuals affected with DDC-related conditions. This variant is not present in population databases (gnomAD no frequency).